The following is an entry in ClinVar:

ClinVar aggregate classification (germline): Uncertain significance (1 of 4 stars; one submission).

gnomAD v4.1: 1 of 1,614,044 alleles (0.000062%); highest among the groups gnomAD compares: South Asian, 0.0011%; no homozygotes.

Submission:

Labcorp Genetics (formerly Invitae), Labcorp
Classification: Uncertain significance. Last evaluated: 2022-05-15. Review status: criteria provided, single submitter. Criteria: Invitae Variant Classification Sherloc (09022015). Collection method: clinical testing. Allele origin: germline.
Comment: In summary, the available evidence is currently insufficient to determine the role of this variant in disease. Therefore, it has been classified as a Variant of Uncertain Significance. Advanced modeling of protein sequence and biophysical properties (such as structural, functional, and spatial information, amino acid conservation, physicochemical variation, residue mobility, and thermodynamic stability) performed at Invitae indicates that this missense variant is not expected to disrupt ABCC6 protein function. This variant has not been reported in the literature in individuals affected with ABCC6-related conditions. This variant is present in population databases (rs778911783, gnomAD 0.003%). This sequence change replaces aspartic acid, which is acidic and polar, with tyrosine, which is neutral and polar, at codon 898 of the ABCC6 protein (p.Asp898Tyr).

NM_001171.6(ABCC6):c.2692G>T (p.Asp898Tyr)

Gene: ABCC6 (ATP binding cassette subfamily C member 6; minus strand). Cytogenetic location: 16p13.11.
Variant type: single nucleotide variant.
Coding change: c.2692G>T on transcript NM_001171.6 (MANE Select); coding-DNA position 2692, G replaced by T.
Protein change: p.Asp898Tyr; replaces aspartic acid 898 with tyrosine.
Molecular consequence: missense variant. On other transcripts: non-coding transcript variant (1).
Genome position (GRCh38, 1-based): chr16:16,173,379, C>A on the plus strand (G>T on the coding strand, the complement: ABCC6 is on the minus strand). VCF-style: chr16-16173379-C-A. GRCh37 (hg19) VCF-style: chr16-16267236-C-A.
Other names: c.2350G>T, p.Asp784Tyr (NM_001351800.1); short protein forms D898Y, D784Y.
Identifiers: ClinVar variation 1994743 (VCV001994743.4), dbSNP rs778911783, ClinGen allele CA7925815.